The following is an entry in ClinVar:

NM_001013839.4(EXOC7):c.1410C>T (p.Gly470=)

Gene: EXOC7 (exocyst complex component 7; minus strand). Cytogenetic location: 17q25.1.
Variant type: single nucleotide variant.
Coding change: c.1410C>T on transcript NM_001013839.4 (MANE Select); coding-DNA position 1410, C replaced by T.
Protein change: p.Gly470=; no amino-acid change (glycine 470 retained).
Molecular consequence: synonymous variant.
Genome position (GRCh38, 1-based): chr17:76,087,673, G>A on the plus strand (C>T on the coding strand, the complement: EXOC7 is on the minus strand). VCF-style: chr17-76087673-G-A. GRCh37 (hg19) VCF-style: chr17-74083754-G-A.
Other names: c.1287C>T, p.Gly429= (NM_001145296.1, NM_001282313.2); c.1563C>T, p.Gly521= (NM_001145297.4); c.1386C>T, p.Gly462= (NM_001145298.4); c.1479C>T, p.Gly493= (NM_001145299.4, NM_001375976.1); c.1410C>T, p.Gly470= (NM_001375974.1); c.1317C>T, p.Gly439= (NM_001375975.1, NM_015219.5).
Identifiers: ClinVar variation 2648292 (VCV002648292.24), dbSNP rs530110887, ClinGen allele CA8781285.
Genomic context (GRCh38, chr17:76,087,673, plus strand): 5'-AGGCGAGTGGGGCAGGGGGCCCAACTGGGAGGTACCAGTACCTTGGGAGGCCAGCATGGC[G>A]CCTGCCGTCTCCTGGAAGTCCAAAAGCTGCTGCAGGAAGAGGATGGCCTGGGTGGGAAGA-3'
Protein context (NP_001013861.1, residues 460-480): QQLLDFQETA[Gly470=]AMLASQETSS

ClinVar aggregate classification (germline): Likely benign (1 of 4 stars; one submission).

Allele frequency attached by ClinVar (database versions not stated): TOPMed 0.00003; gnomAD 0.00005; gnomAD exomes 0.00009; ExAC 0.00014; 1000 Genomes Project 0.00040; 1000 Genomes Project 30x 0.00047.
gnomAD v4.1: 126 of 1,551,316 alleles (0.0081%); highest among the groups gnomAD compares: South Asian, 0.13%; no homozygotes.

Submission:

CeGaT Center for Human Genetics Tuebingen
Classification: Likely benign. Last evaluated: 2023-03-01. Review status: criteria provided, single submitter. Criteria: CeGaT Center For Human Genetics Tuebingen Variant Classification Criteria Version 2. Collection method: clinical testing. Allele origin: germline. Affected: yes. Observed: 1 variant allele.
Comment: EXOC7: BP4, BP7